The following is an entry in ClinVar:

ClinVar aggregate classification (germline): Pathogenic (0 of 4 stars; one submission).

Conditions:
Malignant lymphoma, large B-cell, diffuse. Also called: Diffuse large B cell lymphoma. Identifiers: Orphanet 544, MedGen C0079744, MeSH D016403, MONDO:0018905.

Submission:

Department Of Pathology & Laboratory Medicine, University Of Pennsylvania
Classification: Pathogenic for Malignant lymphoma, large B-cell, diffuse. Last evaluated: 2023-12-04. Review status: no assertion criteria provided. Collection method: clinical testing. Allele origin: somatic. Affected: yes. Observed: 1 variant allele.
Comment: Post-initial therapy specimen. This represents a frameshift deletion occuring in this splicosome factor at exon 11 of 12, predicted to cause loss of function. Alterations in SF3A1 function are predicted to be disease associated in multiple cancers, likely mediated through interference of the splicing of oncogenes/tumor suppressor transcripts (PMID 26498691). SF3A1 frameshift deletions have been reported in Gallbladder and Stomach carcinomas (PMID 22037554 and 33563892).

Literature cited by the submitters: PubMed 26498691; PubMed 22037554; PubMed 33563892.

NM_005877.6(SF3A1):c.1641del (p.Ser548fs)

Gene: SF3A1 (splicing factor 3a subunit 1; minus strand). Cytogenetic location: 22q12.2.
Variant type: Deletion.
Coding change: c.1641del on transcript NM_005877.6 (MANE Select); coding-DNA position 1641, one base deleted (C; older notation c.1641delC).
Protein change: p.Ser548fs; shifts the reading frame from serine 548.
Molecular consequence: frameshift variant.
Genome position (GRCh38, 1-based): chr22:30,338,891, G deleted on the plus strand (C on the coding strand, the reverse complement: SF3A1 is on the minus strand); the first of 4 consecutive G bases (chr22:30,338,891-30,338,894); deleting any one gives the same sequence. VCF-style (leftmost placement, unchanged base first): chr22-30338890-TG-T. GRCh37 (hg19) VCF-style: chr22-30734879-TG-T.
Other names: short protein forms S548fs.
Identifiers: ClinVar variation 2671887 (VCV002671887.2), dbSNP rs2518170070, ClinGen allele CA2695200103.